The following is an entry in ClinVar:

ClinVar aggregate classification (germline): Uncertain significance (1 of 4 stars; one submission).

Submission:

Labcorp Genetics (formerly Invitae), Labcorp
Classification: Uncertain significance. Last evaluated: 2023-10-29. Review status: criteria provided, single submitter. Criteria: Invitae Variant Classification Sherloc (09022015). Collection method: clinical testing. Allele origin: germline.
Comment: This variant, c.300_302dup, results in the insertion of 1 amino acid(s) of the COQ9 protein (p.Gln100dup), but otherwise preserves the integrity of the reading frame. This variant is present in population databases (no rsID available, gnomAD 0.003%). This variant has not been reported in the literature in individuals affected with COQ9-related conditions. Experimental studies and prediction algorithms are not available or were not evaluated, and the functional significance of this variant is currently unknown. In summary, the available evidence is currently insufficient to determine the role of this variant in disease. Therefore, it has been classified as a Variant of Uncertain Significance.

NM_020312.4(COQ9):c.297GCA[3] (p.Gln100_His101insGln)

Gene: COQ9 (coenzyme Q9; plus strand). Cytogenetic location: 16q21.
Variant type: Microsatellite.
Coding change: c.297GCA[3] on transcript NM_020312.4 (MANE Select); three copies in a row of the 3-base unit GCA starting at c.297; the reference has two copies in a row; one copy, 3 bases duplicated.
Protein change: p.Gln100_His101insGln.
Molecular consequence: inframe insertion.
Genome position (GRCh38, 1-based): chr16:57,452,858-57,452,860, GCA duplicated; duplicating any 3 consecutive bases within chr16:57,452,855-57,452,860 gives the same sequence; the position shown is the placement nearest the transcript's 3' end. VCF-style (leftmost placement, unchanged base first): chr16-57452854-T-TGCA. GRCh37 (hg19) VCF-style: chr16-57486766-T-TGCA.
Identifiers: ClinVar variation 2835514 (VCV002835514.3), dbSNP rs1316076838, ClinGen allele CA622667295.